The following is an entry in ClinVar:

NM_000218.3(KCNQ1):c.1301G>A (p.Gly434Glu)

Gene: KCNQ1 (potassium voltage-gated channel subfamily Q member 1; plus strand). Cytogenetic location: 11p15.5.
Variant type: single nucleotide variant.
Coding change: c.1301G>A on transcript NM_000218.3 (MANE Select); coding-DNA position 1301, G replaced by A.
Protein change: p.Gly434Glu; replaces glycine 434 with glutamic acid.
Molecular consequence: missense variant.
Genome position (GRCh38, 1-based): chr11:2,588,762, G>A. VCF-style: chr11-2588762-G-A. GRCh37 (hg19) VCF-style: chr11-2609992-G-A.
Other names: c.1205G>A, p.Gly402Glu (NM_001406836.1); c.1031G>A, p.Gly344Glu (NM_001406837.1); c.761G>A, p.Gly254Glu (NM_001406838.1); c.920G>A, p.Gly307Glu (NM_181798.2); short protein forms G254E, G307E, G344E, G434E, G402E.
Identifiers: ClinVar variation 2765854 (VCV002765854.3), dbSNP rs1480037017, ClinGen allele CA379135001.

ClinVar aggregate classification (germline): Uncertain significance (1 of 4 stars; one submission).

Conditions:
Long QT syndrome (LQTS). Identifiers: MedGen C0023976, MeSH D008133, MONDO:0002442. Disease mechanism: loss of function. Inheritance: Various modes of inheritance.

Allele frequency attached by ClinVar (database versions not stated): gnomAD exomes below 0.00001.
gnomAD v4.1: 1 of 1,613,764 alleles (0.000062%); highest among the groups gnomAD compares: Non-Finnish European, 0.000085%; no homozygotes.

Submission:

Labcorp Genetics (formerly Invitae), Labcorp
Classification: Uncertain significance for Long QT syndrome. Last evaluated: 2023-06-04. Review status: criteria provided, single submitter. Criteria: Invitae Variant Classification Sherloc (09022015). Collection method: clinical testing. Allele origin: germline.
Comment: In summary, the available evidence is currently insufficient to determine the role of this variant in disease. Therefore, it has been classified as a Variant of Uncertain Significance. Advanced modeling of protein sequence and biophysical properties (such as structural, functional, and spatial information, amino acid conservation, physicochemical variation, residue mobility, and thermodynamic stability) has been performed at Invitae for this missense variant, however the output from this modeling did not meet the statistical confidence thresholds required to predict the impact of this variant on KCNQ1 protein function. This variant has not been reported in the literature in individuals affected with KCNQ1-related conditions. This variant is not present in population databases (gnomAD no frequency). This sequence change replaces glycine, which is neutral and non-polar, with glutamic acid, which is acidic and polar, at codon 434 of the KCNQ1 protein (p.Gly434Glu).